The following is an entry in ClinVar:

NM_001351132.2(PEX5):c.1651C>T (p.Leu551Phe)

Gene: PEX5 (peroxisomal biogenesis factor 5; plus strand). Cytogenetic location: 12p13.31.
Variant type: single nucleotide variant.
Coding change: c.1651C>T on transcript NM_001351132.2 (MANE Select); coding-DNA position 1651, C replaced by T.
Protein change: p.Leu551Phe; replaces leucine 551 with phenylalanine.
Molecular consequence: missense variant.
Genome position (GRCh38, 1-based): chr12:7,209,773, C>T. VCF-style: chr12-7209773-C-T. GRCh37 (hg19) VCF-style: chr12-7362369-C-T.
Other names: c.1627C>T, p.Leu543Phe (NM_000319.5); c.1696C>T, p.Leu566Phe (NM_001131023.2); c.1540C>T, p.Leu514Phe (NM_001131024.2, NM_001351124.3, NM_001351126.2 and 7 more transcripts); c.1651C>T, p.Leu551Phe (NM_001131025.2, NM_001131026.2, NM_001300789.3 and 4 more transcripts); c.1585C>T, p.Leu529Phe (NM_001351135.3, NM_001351138.2); c.1642C>T, p.Leu548Phe (NM_001351136.2); c.1516C>T, p.Leu506Phe (NM_001351139.2, NM_001351140.2, NM_001374649.2); short protein forms L514F, L551F, L566F, L543F, L548F, L506F, L529F.
Identifiers: ClinVar variation 1506467 (VCV001506467.8), dbSNP rs2136256584, ClinGen allele CA383738293.

ClinVar aggregate classification (germline): Uncertain significance (1 of 4 stars; one submission).

Conditions:
Peroxisome biogenesis disorder 2B (PBD2B). Identifiers: Orphanet 44, MedGen C3550234, MONDO:0008736, OMIM 202370.

Submission:

Labcorp Genetics (formerly Invitae), Labcorp
Classification: Uncertain significance for Peroxisome biogenesis disorder 2B. Last evaluated: 2022-07-19. Review status: criteria provided, single submitter. Criteria: Invitae Variant Classification Sherloc (09022015). Collection method: clinical testing. Allele origin: germline.
Comment: In summary, the available evidence is currently insufficient to determine the role of this variant in disease. Therefore, it has been classified as a Variant of Uncertain Significance. Algorithms developed to predict the effect of missense changes on protein structure and function are either unavailable or do not agree on the potential impact of this missense change (SIFT: "Deleterious"; PolyPhen-2: "Probably Damaging"; Align-GVGD: "Class C15"). ClinVar contains an entry for this variant (Variation ID: 1506467). This variant has not been reported in the literature in individuals affected with PEX5-related conditions. This variant is not present in population databases (gnomAD no frequency). This sequence change replaces leucine, which is neutral and non-polar, with phenylalanine, which is neutral and non-polar, at codon 551 of the PEX5 protein (p.Leu551Phe).